The following is an entry in ClinVar:

NM_001458.5(FLNC):c.2811+5G>A

Gene: FLNC (filamin C; plus strand). Cytogenetic location: 7q32.1.
Variant type: single nucleotide variant.
Coding change: c.2811+5G>A on transcript NM_001458.5 (MANE Select); 5 bases into the intron after coding-DNA position 2811, G replaced by A.
Molecular consequence: intron variant.
Genome position (GRCh38, 1-based): chr7:128,843,582, G>A. VCF-style: chr7-128843582-G-A. GRCh37 (hg19) VCF-style: chr7-128483636-G-A.
Other names: c.2811+5G>A (NM_001127487.2).
Identifiers: ClinVar variation 998523 (VCV000998523.12), dbSNP rs781538211, ClinGen allele CA4474844.

ClinVar aggregate classification (germline): Uncertain significance. Review status: criteria provided, multiple submitters, no conflicts (2 of 4 stars). 4 submissions from 4 submitters: Uncertain significance (4). Last evaluated 2024-08-01.

Conditions:
Cardiovascular phenotype. Identifiers: MedGen CN230736.
Hypertrophic cardiomyopathy 26. Also called: Cardiomyopathy, familial hypertrophic, 26. Identifiers: Orphanet 75249, MedGen C4310749, MONDO:0014883, OMIM 617047.
Myofibrillar myopathy 5. Also called: Filaminopathy (type); FILAMINOPATHY, AUTOSOMAL DOMINANT. Identifiers: Orphanet 171445, MedGen C1836050, MONDO:0012289, OMIM 609524.
Distal myopathy with posterior leg and anterior hand involvement. Also called: WILLIAMS DISTAL MYOPATHY. Identifiers: Orphanet 63273, MedGen C3279722, MONDO:0013550, OMIM 614065.

Allele frequency attached by ClinVar (database versions not stated): gnomAD 0.00001; TOPMed 0.00001; ExAC 0.00002.
gnomAD v4.1: 16 of 1,613,452 alleles (0.00099%); highest among the groups gnomAD compares: Admixed American, 0.017%; no homozygotes.

Submissions (4):

Labcorp Genetics (formerly Invitae), Labcorp
Classification: Uncertain significance for Distal myopathy with posterior leg and anterior hand involvement; Myofibrillar myopathy 5; Hypertrophic cardiomyopathy 26. Last evaluated: 2024-08-01. Review status: criteria provided, single submitter. Criteria: Invitae Variant Classification Sherloc (09022015). Collection method: clinical testing. Allele origin: germline.
Comment: This sequence change falls in intron 18 of the FLNC gene. It does not directly change the encoded amino acid sequence of the FLNC protein. It affects a nucleotide within the consensus splice site. This variant is present in population databases (rs781538211, gnomAD 0.02%). This variant has not been reported in the literature in individuals affected with FLNC-related conditions. ClinVar contains an entry for this variant (Variation ID: 998523). Variants that disrupt the consensus splice site are a relatively common cause of aberrant splicing (PMID: 17576681, 9536098). Algorithms developed to predict the effect of sequence changes on RNA splicing suggest that this variant is not likely to affect RNA splicing. In summary, the available evidence is currently insufficient to determine the role of this variant in disease. Therefore, it has been classified as a Variant of Uncertain Significance.

Ambry Genetics
Classification: Uncertain significance for Cardiovascular phenotype. Last evaluated: 2024-05-23. Review status: criteria provided, single submitter. Criteria: Ambry Variant Classification Scheme 2023. Collection method: clinical testing. Allele origin: germline.
Comment: The c.2811+5G>A intronic variant results from a G to A substitution 5 nucleotides after coding exon 18 in the FLNC gene. This nucleotide position is highly conserved in available vertebrate species. In silico splice site analysis for this alteration is inconclusive. Since supporting evidence is limited at this time, the clinical significance of this alteration remains unclear.

New York Genome Center
Classification: Uncertain significance for Hypertrophic cardiomyopathy 26. Last evaluated: 2021-04-23. Review status: criteria provided, single submitter. Criteria: NYGC Assertion Criteria 2020. Collection method: clinical testing. Allele origin: inherited. Observed: 1 heterozygote. Study: CSER-NYCKidSeq.

GeneDx
Classification: Uncertain significance. Last evaluated: 2019-12-06. Review status: criteria provided, single submitter. Criteria: GeneDx Variant Classification Process June 2021. Collection method: clinical testing. Allele origin: germline. Affected: yes.
Comment: Has not been previously published as pathogenic or benign to our knowledge; In-silico analysis, which includes splice predictors and evolutionary conservation, is inconclusive as to whether the variant alters gene splicing. In the absence of RNA/functional studies, the actual effect of this sequence change is unknown.

Literature cited by the submitters: PubMed 17576681 (cited by Labcorp Genetics (formerly Invitae), Labcorp); PubMed 9536098 (cited by Labcorp Genetics (formerly Invitae), Labcorp).